The following is an entry in ClinVar:

ClinVar aggregate classification (germline): Uncertain significance. Review status: criteria provided, multiple submitters, no conflicts (2 of 4 stars). 2 submissions from 2 submitters: Uncertain significance (2). Last evaluated 2025-09-25.

Conditions:
Inborn genetic diseases. Identifiers: MedGen C0950123, MeSH D030342.

Allele frequency attached by ClinVar (database versions not stated): gnomAD 0.00002; gnomAD exomes 0.00001; ExAC 0.00001; TOPMed 0.00002.

Submissions (2):

Ambry Genetics
Classification: Uncertain significance for Inborn genetic diseases. Last evaluated: 2025-09-25. Review status: criteria provided, single submitter. Criteria: Ambry Variant Classification Scheme 2023. Collection method: clinical testing. Allele origin: germline.

Labcorp Genetics (formerly Invitae), Labcorp
Classification: Uncertain significance. Last evaluated: 2022-05-13. Review status: criteria provided, single submitter. Criteria: Invitae Variant Classification Sherloc (09022015). Collection method: clinical testing. Allele origin: germline.
Comment: This sequence change replaces threonine, which is neutral and polar, with methionine, which is neutral and non-polar, at codon 959 of the ADAMTS17 protein (p.Thr959Met). This variant is present in population databases (rs778112787, gnomAD 0.003%). This variant has not been reported in the literature in individuals affected with ADAMTS17-related conditions. Algorithms developed to predict the effect of missense changes on protein structure and function output the following: SIFT: "Not Available"; PolyPhen-2: "Benign"; Align-GVGD: "Not Available". The methionine amino acid residue is found in multiple mammalian species, which suggests that this missense change does not adversely affect protein function. In summary, the available evidence is currently insufficient to determine the role of this variant in disease. Therefore, it has been classified as a Variant of Uncertain Significance.

NM_139057.4(ADAMTS17):c.2876C>T (p.Thr959Met)

Gene: ADAMTS17 (ADAM metallopeptidase with thrombospondin type 1 motif 17; minus strand). Cytogenetic location: 15q26.3.
Variant type: single nucleotide variant.
Coding change: c.2876C>T on transcript NM_139057.4 (MANE Select); coding-DNA position 2876, C replaced by T.
Protein change: p.Thr959Met; replaces threonine 959 with methionine.
Molecular consequence: missense variant.
Genome position (GRCh38, 1-based): chr15:99,993,121, G>A on the plus strand (C>T on the coding strand, the complement: ADAMTS17 is on the minus strand). VCF-style: chr15-99993121-G-A. GRCh37 (hg19) VCF-style: chr15-100533326-G-A.
Other names: c.2876C>T (NM_139057.2); short protein forms T959M.
Identifiers: ClinVar variation 1897598 (VCV001897598.3), dbSNP rs778112787, ClinGen allele CA7757545.